The following is an entry in ClinVar:

ClinVar aggregate classification (germline): Likely benign (0 of 4 stars; one submission).

Conditions:
PER2-related disorder. Also called: PER2-related condition.

Allele frequency attached by ClinVar (database versions not stated): ESP Exome Variant Server 0.00008; gnomAD 0.00013; gnomAD exomes 0.00014; ExAC 0.00026.
gnomAD v4.1: 224 of 1,609,362 alleles (0.014%); highest among the groups gnomAD compares: Non-Finnish European, 0.018%; no homozygotes.

Submission:

PreventionGenetics, part of Exact Sciences
Classification: Likely benign for PER2-related condition. Last evaluated: 2019-03-12. Review status: no assertion criteria provided. Collection method: clinical testing. Allele origin: germline.
Comment: This variant is classified as likely benign based on ACMG/AMP sequence variant interpretation guidelines (Richards et al. 2015 PMID: 25741868, with internal and published modifications).

NM_022817.3(PER2):c.2448C>T (p.Pro816=)

Gene: PER2 (period circadian regulator 2; minus strand). Cytogenetic location: 2q37.3.
Variant type: single nucleotide variant.
Coding change: c.2448C>T on transcript NM_022817.3 (MANE Select); coding-DNA position 2448, C replaced by T.
Protein change: p.Pro816=; no amino-acid change (proline 816 retained).
Molecular consequence: synonymous variant.
Genome position (GRCh38, 1-based): chr2:238,253,575, G>A on the plus strand (C>T on the coding strand, the complement: PER2 is on the minus strand). VCF-style: chr2-238253575-G-A. GRCh37 (hg19) VCF-style: chr2-239162216-G-A.
Identifiers: ClinVar variation 3048495 (VCV003048495.2), dbSNP rs146565410, ClinGen allele CA2197074.
Genomic context (GRCh38, chr2:238,253,575, plus strand): 5'-CGTGTCTGAGGGTGACCAGGCTGTGGCGTTCAAGCCCACCAGCGGGGGCCGGGCGGACAC[G>A]GGCCCCCCAGATCCGGTGCTCTCAGATGAGTCTCGAGGTTTGACCCGCTTGGACTTCAAT-3'
Protein context (NP_073728.1, residues 806-826): DSSESTGSGG[Pro816=]VSARPPLVGL